The following continues an entry in ClinVar:

NM_000059.4(BRCA2):c.658_659del (p.Val220fs)

Gene: BRCA2. ClinVar aggregate classification (germline): Pathogenic. Pathogenic (1).

Submissions 20 to 33 of 73:

Institute of Human Genetics, University of Leipzig Medical Center
Classification: Pathogenic for Breast-ovarian cancer, familial, susceptibility to, 2. Last evaluated: 2025-03-03. Review status: criteria provided, single submitter. Criteria: ACMG Guidelines, 2015. Collection method: clinical testing. Allele origin: unknown. Inheritance: Autosomal dominant inheritance. Affected: yes. Not counted in ClinVar's aggregate classification.
Comment: Criteria applied: PVS1,PS3,PM3_STR,PM5_STR,BS1_SUP

Laboratory of Genetics, Children's Clinical University Hospital Latvia
Classification: Pathogenic. Last evaluated: 2025-02-16. Review status: criteria provided, single submitter. Criteria: ACMG Guidelines, 2015. Collection method: clinical testing. Allele origin: germline. Affected: yes. Not counted in ClinVar's aggregate classification.

Revvity Omics, Revvity
Classification: Pathogenic. Last evaluated: 2025-02-12. Review status: criteria provided, single submitter. Criteria: ACMG Guidelines, 2015. Collection method: clinical testing. Allele origin: germline. Not counted in ClinVar's aggregate classification.

Mayo Clinic Laboratories, Mayo Clinic
Classification: Pathogenic. Last evaluated: 2025-01-30. Review status: criteria provided, single submitter. Criteria: ACMG Guidelines, 2015. Collection method: clinical testing. Allele origin: germline. Observed: 4 variant alleles. Not counted in ClinVar's aggregate classification.
Comment: PM3_strong, PM5_strong, PVS1

Institute of Human Genetics, University of Leipzig Medical Center
Classification: Pathogenic for Breast-ovarian cancer, familial, susceptibility to, 1. Last evaluated: 2024-11-04. Review status: criteria provided, single submitter. Criteria: ACMG Guidelines, 2015. Collection method: clinical testing. Allele origin: unknown. Inheritance: Autosomal dominant inheritance. Affected: yes. Not counted in ClinVar's aggregate classification.
Comment: Criteria applied: PVS1,PM3_STR,PM5_STR

All of Us Research Program, National Institutes of Health
Classification: Pathogenic for BRCA2-related cancer predisposition. Last evaluated: 2024-09-25. Review status: criteria provided, single submitter. Criteria: ACMG Guidelines, 2015. Collection method: clinical testing. Allele origin: germline. Inheritance: Autosomal dominant inheritance. Observed: 19 variant alleles, 19 heterozygotes. Not counted in ClinVar's aggregate classification.
Comment: The c.658_659delGT (p.Val220Ilefs*4) variant in the BRCA2 gene is located on the exon 8 and is predicted to cause reading frame shift that introduces a premature translation termination codon (p.Val220Ilefs*4), resulting in an absent or disrupted protein product. Loss-of-function variants of BRCA2 are known to be pathogenic (PMID: 11897832). This c.658_659delGT variant was reported in more than 10 unrelated individuals with ovarian/breast cancer (PMID: 33478551, 34097676, 33670479, 32571290, 32824581, 22923021). It is one of the most frequently observed BRCA2 variants in North America and Lithuania, and more than 20 families were reported with the variant and disease (PMID: 29446198). This variant is reported in ClinVar as pathogenic (ID: 9342) and reviewed by the expert panel. The variant is rare in the general population according to gnomAD (13/276414). Therefore, the c.658_659delGT (p.Val220Ilefs*4) variant of BRCA2 has been classified as pathogenic.

This study involves interpretation of variants in research participants for the purpose of population health screening. Participant phenotype was not available at the time of variant classification. Additional details can be found in publication PMID: 35346344, PMCID: PMC8962531

Color Diagnostics, LLC DBA Color Health
Classification: Pathogenic for Hereditary cancer-predisposing syndrome. Last evaluated: 2024-04-18. Review status: criteria provided, single submitter. Criteria: ACMG Guidelines, 2015. Collection method: clinical testing. Allele origin: germline. Not counted in ClinVar's aggregate classification.
Comment: This variant deletes 2 nucleotides in exon 8 of the BRCA2 gene, creating a frameshift and premature translation stop signal. This variant is also known as 886delGT in the literature. This variant is expected to result in an absent or non-functional protein product. This variant has been reported in multiple individuals affected with breast and ovarian cancer (PMID: 9667259, 22923021, 23767878, 24504028, 27153395, 28324225, 28724667, 30287823). It has also been observed in compound heterozygous state with a pathogenic variant in two individuals affected with Fanconi anemia (PMID: 16825431). This variant has been identified in 13/276414 chromosomes in the general population by the Genome Aggregation Database (gnomAD). Loss of BRCA2 function is a known mechanism of disease. Based on the available evidence, this variant is classified as Pathogenic.

Blueprint Genetics
Classification: Pathogenic for BRCA2-related disorders. Last evaluated: 2024-04-16. Review status: criteria provided, single submitter. Criteria: ACMG Guidelines, 2015. Collection method: clinical testing. Allele origin: germline. Affected: yes. Observed: 5 variant alleles. Not counted in ClinVar's aggregate classification.

Baylor Genetics
Classification: Pathogenic for Familial cancer of breast. Last evaluated: 2024-02-26. Review status: criteria provided, single submitter. Criteria: ACMG Guidelines, 2015. Collection method: clinical testing. Allele origin: unknown. Not counted in ClinVar's aggregate classification.

CeGaT Center for Human Genetics Tuebingen
Classification: Pathogenic. Last evaluated: 2023-12-01. Review status: criteria provided, single submitter. Criteria: CeGaT Center For Human Genetics Tuebingen Variant Classification Criteria Version 2. Collection method: clinical testing. Allele origin: germline. Affected: yes. Observed: 8 variant alleles. Not counted in ClinVar's aggregate classification.
Comment: BRCA2: PVS1, PS3:Moderate, PS4:Supporting

Neuberg Centre For Genomic Medicine, NCGM
Classification: Pathogenic for Breast-ovarian cancer, familial, susceptibility to, 2. Last evaluated: 2023-07-22. Review status: criteria provided, single submitter. Criteria: ACMG Guidelines, 2015. Collection method: clinical testing. Allele origin: germline. Inheritance: Autosomal dominant inheritance. Affected: yes. Not counted in ClinVar's aggregate classification.
Comment: The frame shift variant c.658_659del p.Val220IlefsTer4 in BRCA2 gene has been observed in heterozygous state in multiple individuals with hereditary breast and ovarian cancer Svojgr et. al., 2016; Cunningham et. al., 2014. This variant is also known as 886delGT. The observed variant has allele frquency of 0.004% in gnomAD exomes database. This variant has been submitted to the ClinVar database as Pathogenic with a status of reviewed by expert panel. This variant causes a frameshift starting with codon Valine 220, changes this amino acid to Isoleucine residue, and creates a premature Stop codon at position 4 of the new reading frame, denoted p.Val220IlefsTer4. It is expected to result in an absent or disrupted protein product. Loss-of-function variants in BRCA2 are known to be pathogenic Borg et. al., 2010. For these reasons, this variant has been classified as Pathogenic.

Cancer Genomics Group, Japanese Foundation For Cancer Research
Classification: Likely pathogenic for Hereditary breast ovarian cancer syndrome. Last evaluated: 2023-03-27. Review status: criteria provided, single submitter. Criteria: ACMG Guidelines, 2015. Collection method: research. Allele origin: germline. Affected: yes. Not counted in ClinVar's aggregate classification.

Quest Diagnostics Nichols Institute San Juan Capistrano
Classification: Pathogenic. Last evaluated: 2023-03-02. Review status: criteria provided, single submitter. Criteria: Quest Diagnostics criteria. Collection method: clinical testing. Allele origin: unknown. Not counted in ClinVar's aggregate classification.
Comment: This variant alters the translational reading frame of the BRCA2 mRNA and causes the premature termination of BRCA2 protein synthesis. In the published literature, this variant has been reported in individuals with breast and/or ovarian cancer (PMIDs: 35220195 (2022), 33478551 (2021), 32438681 (2020), 32098980 (2020), 32341426 (2020), 32318955 (2020), 31980526 (2020), 31957001 (2020), 31411802 (2019), 31263054 (2019), 30350268 (2018), 30287823 (2018), 29492181 (2018)). Additionally, the variant has been reported in individuals with prostate cancer (PMIDs: 31948886 (2020), 32875559 (2020)), colorectal cancer (PMID: 26681312 (2015)), mesothelioma (PMID: 34008015 (2021), and esophageal squamous cell carcinoma (PMID: 31396961 (2020)). The variant has occurred with an additional pathogenic BRCA2 variant in children with Fanconi Anemia, Wilm's tumor, and/or medulloblastoma (PMIDs: 29753700 (2018), 26657402 (2016), 26064523 (2015), 16825431 (2007), 15689453 (2005), 14670928 (2004)). The frequency of this variant in the general population, 0.00013 (3/23770 chromosomes (Genome Aggregation Database)), is consistent with pathogenicity. Based on the available information, this variant is classified as pathogenic.

Institute for Genomic Medicine (IGM) Clinical Laboratory, Nationwide Children's Hospital
Classification: Pathogenic for Hereditary cancer-predisposing syndrome. Last evaluated: 2022-12-21. Review status: criteria provided, single submitter. Criteria: ACMG Guidelines, 2015. Collection method: clinical testing. Allele origin: germline. Not counted in ClinVar's aggregate classification.
Comment: This variant is predicted to result in loss of function through nonsense-mediated decay of the encoded transcript or premature truncation of the encoded protein in a gene in which loss of function is a known mechanism of disease (ACMG/AMP: PVS1). This variant has been reported at an elevated frequency in affected individuals/in multiple affected individuals in the literature (ACMG/AMP: PS4). This variant has been observed in trans with a pathogenic variant (ACMG/AMP: PM3). This variant was reported as a pathogenic/likely pathogenic alteration by a reputable source (ClinVar or other correspondence from a clinical testing laboratory) (ACMG/AMP: PP5).